The following is an entry in ClinVar:

NM_000384.3(APOB):c.3927T>G (p.Asp1309Glu)

Gene: APOB (apolipoprotein B; minus strand). Cytogenetic location: 2p24.1.
Variant type: single nucleotide variant.
Coding change: c.3927T>G on transcript NM_000384.3 (MANE Select); coding-DNA position 3927, T replaced by G.
Protein change: p.Asp1309Glu; replaces aspartic acid 1309 with glutamic acid.
Molecular consequence: missense variant.
Genome position (GRCh38, 1-based): chr2:21,013,449, A>C on the plus strand (T>G on the coding strand, the complement: APOB is on the minus strand). VCF-style: chr2-21013449-A-C. GRCh37 (hg19) VCF-style: chr2-21236321-A-C.
Other names: short protein forms D1309E.
Identifiers: ClinVar variation 3885405 (VCV003885405.1).

ClinVar aggregate classification (germline): Uncertain significance (1 of 4 stars; one submission).

Conditions:
Cardiovascular phenotype. Identifiers: MedGen CN230736.

gnomAD v4.1: 1 of 1,614,168 alleles (0.000062%); highest among the groups gnomAD compares: Non-Finnish European, 0.000085%; no homozygotes.

Submission:

Ambry Genetics
Classification: Uncertain significance for Cardiovascular phenotype. Last evaluated: 2025-03-09. Review status: criteria provided, single submitter. Criteria: Ambry Variant Classification Scheme 2023. Collection method: clinical testing. Allele origin: germline.
Comment: The p.D1309E variant (also known as c.3927T>G), located in coding exon 25 of the APOB gene, results from a T to G substitution at nucleotide position 3927. The aspartic acid at codon 1309 is replaced by glutamic acid, an amino acid with highly similar properties. This amino acid position is conserved. In addition, this alteration is predicted to be tolerated by in silico analysis. Based on the available evidence, the clinical significance of this variant remains unclear.